The following is an entry in ClinVar:

ClinVar aggregate classification (germline): Uncertain significance. Review status: criteria provided, multiple submitters, no conflicts (2 of 4 stars). 2 submissions from 2 submitters: Uncertain significance (2). Last evaluated 2025-09-02.

Conditions:
Developmental and epileptic encephalopathy, 27 (DEE27). Also called: GRIN2B-Related Neurodevelopmental Disorder; Epileptic encephalopathy, early infantile, 27. Identifiers: Orphanet 3451, MedGen C4015316, MONDO:0014505, OMIM 616139.
Intellectual developmental disorder, autosomal dominant 6, with or without seizures. Also called: Intellectual disability, autosomal dominant 6; GRIN2B-related developmental delay, intellectual disability and autism spectrum disorder. Identifiers: Orphanet 589547, MedGen C3151411, MONDO:0013509, OMIM 613970.

Allele frequency attached by ClinVar (database versions not stated): gnomAD exomes below 0.00001.
gnomAD v4.1: 2 of 1,613,674 alleles (0.00012%); highest among the groups gnomAD compares: Non-Finnish European, 0.00017%; no homozygotes.

Submissions (2):

Labcorp Genetics (formerly Invitae), Labcorp
Classification: Uncertain significance for Developmental and epileptic encephalopathy, 27; Intellectual developmental disorder, autosomal dominant 6, with or without seizures. Last evaluated: 2025-09-02. Review status: criteria provided, single submitter. Criteria: Invitae Variant Classification Sherloc (09022015). Collection method: clinical testing. Allele origin: germline.
Comment: This sequence change replaces serine, which is neutral and polar, with asparagine, which is neutral and polar, at codon 1191 of the GRIN2B protein (p.Ser1191Asn). This variant is not present in population databases (gnomAD no frequency). This missense change has been observed in individual(s) with clinical features of GRIN2B-related conditions (internal data). ClinVar contains an entry for this variant (Variation ID: 2087033). Invitae Evidence Modeling of protein sequence and biophysical properties (such as structural, functional, and spatial information, amino acid conservation, physicochemical variation, residue mobility, and thermodynamic stability) indicates that this missense variant is not expected to disrupt GRIN2B protein function with a negative predictive value of 95%. In summary, the available evidence is currently insufficient to determine the role of this variant in disease. Therefore, it has been classified as a Variant of Uncertain Significance.

GeneDx
Classification: Uncertain significance. Last evaluated: 2024-10-04. Review status: criteria provided, single submitter. Criteria: GeneDx Variant Classification Process June 2021. Collection method: clinical testing. Allele origin: germline. Affected: yes.
Comment: Not observed at significant frequency in large population cohorts (gnomAD); In silico analysis indicates that this missense variant does not alter protein structure/function; Has not been previously published as pathogenic or benign to our knowledge

NM_000834.5(GRIN2B):c.3572G>A (p.Ser1191Asn)

Gene: GRIN2B (glutamate ionotropic receptor NMDA type subunit 2B; minus strand). Cytogenetic location: 12p13.1.
Variant type: single nucleotide variant.
Coding change: c.3572G>A on transcript NM_000834.5 (MANE Select); coding-DNA position 3572, G replaced by A.
Protein change: p.Ser1191Asn; replaces serine 1191 with asparagine.
Molecular consequence: missense variant.
Genome position (GRCh38, 1-based): chr12:13,563,666, C>T on the plus strand (G>A on the coding strand, the complement: GRIN2B is on the minus strand). VCF-style: chr12-13563666-C-T. GRCh37 (hg19) VCF-style: chr12-13716600-C-T.
Other names: c.3572G>A (NM_000834.3); c.3572G>A, p.Ser1191Asn (NM_001413992.1); short protein forms S1191N.
Identifiers: ClinVar variation 2087033 (VCV002087033.5), dbSNP rs2497468025, ClinGen allele CA383988361.